The following is an entry in ClinVar:

NM_000875.5(IGF1R):c.1103-6A>G

Gene: IGF1R (insulin like growth factor 1 receptor; plus strand). Cytogenetic location: 15q26.3.
Variant type: single nucleotide variant.
Coding change: c.1103-6A>G on transcript NM_000875.5 (MANE Select); 6 bases into the intron before coding-DNA position 1103, A replaced by G.
Molecular consequence: intron variant.
Genome position (GRCh38, 1-based): chr15:98,899,471, A>G. VCF-style: chr15-98899471-A-G. GRCh37 (hg19) VCF-style: chr15-99442700-A-G.
Other names: c.1103-6A>G (NM_001291858.2).
Identifiers: ClinVar variation 1800639 (VCV001800639.1), dbSNP rs2505986516, ClinGen allele CA2575843929.

ClinVar aggregate classification (germline): Uncertain significance (1 of 4 stars; one submission).

Submission:

GeneDx
Classification: Uncertain significance. Last evaluated: 2022-05-20. Review status: criteria provided, single submitter. Criteria: GeneDx Variant Classification Process June 2021. Collection method: clinical testing. Allele origin: germline. Affected: yes.
Comment: Not observed at significant frequency in large population cohorts (gnomAD); In silico analysis supports a deleterious effect on splicing; Has not been previously published as pathogenic or benign to our knowledge